The following is an entry in ClinVar:

NM_177438.3(DICER1):c.3302C>T (p.Ser1101Phe)

Gene: DICER1 (dicer 1, ribonuclease III; minus strand). Cytogenetic location: 14q32.13.
Variant type: single nucleotide variant.
Coding change: c.3302C>T on transcript NM_177438.3 (MANE Select); coding-DNA position 3302, C replaced by T.
Protein change: p.Ser1101Phe; replaces serine 1101 with phenylalanine.
Molecular consequence: missense variant. On other transcripts: non-coding transcript variant (4).
Genome position (GRCh38, 1-based): chr14:95,104,094, G>A on the plus strand (C>T on the coding strand, the complement: DICER1 is on the minus strand). VCF-style: chr14-95104094-G-A. GRCh37 (hg19) VCF-style: chr14-95570431-G-A.
Other names: c.3302C>T, p.Ser1101Phe (NM_001195573.1, NM_001271282.3, NM_001291628.2 and 13 more transcripts); c.3020C>T, p.Ser1007Phe (NM_001395686.1); c.2897C>T, p.Ser966Phe (NM_001395687.1, NM_001395688.1, NM_001395689.1 and 2 more transcripts); c.2735C>T, p.Ser912Phe (NM_001395691.1); c.1619C>T, p.Ser540Phe (NM_001395697.1); short protein forms S1007F, S1101F, S540F, S912F, S966F.
Identifiers: ClinVar variation 3229368 (VCV003229368.1), dbSNP rs779748717, ClinGen allele CA390875992.

ClinVar aggregate classification (germline): Uncertain significance (1 of 4 stars; one submission).

Conditions:
Hereditary cancer-predisposing syndrome. Also called: Neoplastic Syndromes, Hereditary; Tumor predisposition; Hereditary neoplastic syndrome; Hereditary Cancer Syndrome. Identifiers: Orphanet 140162, MedGen C0027672, MeSH D009386, MONDO:0015356.

Submission:

Ambry Genetics
Classification: Uncertain significance for Hereditary cancer-predisposing syndrome. Last evaluated: 2024-01-09. Review status: criteria provided, single submitter. Criteria: Ambry Variant Classification Scheme 2023. Collection method: clinical testing. Allele origin: germline.
Comment: The p.S1101F variant (also known as c.3302C>T), located in coding exon 20 of the DICER1 gene, results from a C to T substitution at nucleotide position 3302. The serine at codon 1101 is replaced by phenylalanine, an amino acid with highly dissimilar properties. This amino acid position is conserved. In addition, this alteration is predicted to be deleterious by in silico analysis. Since supporting evidence is limited at this time, the clinical significance of this alteration remains unclear.